The following is an entry in ClinVar:

NM_000183.3(HADHB):c.254+8A>G

Gene: HADHB (hydroxyacyl-CoA dehydrogenase trifunctional multienzyme complex subunit beta; plus strand). Cytogenetic location: 2p23.3.
Variant type: single nucleotide variant.
Coding change: c.254+8A>G on transcript NM_000183.3 (MANE Select); 8 bases into the intron after coding-DNA position 254, A replaced by G.
Molecular consequence: intron variant.
Genome position (GRCh38, 1-based): chr2:26,270,005, A>G. VCF-style: chr2-26270005-A-G. GRCh37 (hg19) VCF-style: chr2-26492873-A-G.
Other names: c.188+8A>G (NM_001281513.2); c.210-3646A>G (NM_001281512.2).
Identifiers: ClinVar variation 468766 (VCV000468766.11), dbSNP rs370597816, ClinGen allele CA1560144.
Genomic context (GRCh38, chr2:26,270,005, plus strand): 5'-TTCCCCAGATATAAAGACCTGATGCCACATGATTTGGCTAGAGCAGCGCTTACGTAAGTA[A>G]ATGCAGTTTCATTTCCGTTCTTATTTCATTAAAGGCACTTTCTCCAGTTTTTACACATAA-3'

ClinVar aggregate classification (germline): Likely benign. Review status: criteria provided, multiple submitters, no conflicts (2 of 4 stars). 2 submissions from 2 submitters: Likely benign (2). Last evaluated 2026-01-31.

Conditions:
Mitochondrial trifunctional protein deficiency. Identifiers: Orphanet 746, MedGen C1969443, MONDO:0012172.

Allele frequency attached by ClinVar (database versions not stated): gnomAD exomes 0.00003 and 0.00007; ExAC 0.00007; ESP Exome Variant Server 0.00023; gnomAD 0.00033 and 0.00038; TOPMed 0.00045.
gnomAD v4.1: 97 of 1,575,850 alleles (0.0062%); highest among the groups gnomAD compares: African/African-American, 0.1%; no homozygotes.

Submissions (2):

Labcorp Genetics (formerly Invitae), Labcorp
Classification: Likely benign for Mitochondrial trifunctional protein deficiency. Last evaluated: 2026-01-31. Review status: criteria provided, single submitter. Criteria: Invitae Variant Classification Sherloc (09022015). Collection method: clinical testing. Allele origin: germline.

GeneDx
Classification: Likely benign. Last evaluated: 2018-02-26. Review status: criteria provided, single submitter. Criteria: GeneDx Variant Classification (06012015). Collection method: clinical testing. Allele origin: germline. Affected: yes.
Comment: This variant is considered likely benign or benign based on one or more of the following criteria: it is a conservative change, it occurs at a poorly conserved position in the protein, it is predicted to be benign by multiple in silico algorithms, and/or has population frequency not consistent with disease.